The following is an entry in ClinVar:

ClinVar aggregate classification (germline): Conflicting classifications of pathogenicity. Review status: criteria provided, conflicting classifications (1 of 4 stars). 6 submissions from 6 submitters: Uncertain significance (1); Likely benign (4). 1 of the submissions does not count toward it. Last evaluated 2025-10-26.

Conditions:
Inborn genetic diseases. Identifiers: MedGen C0950123, MeSH D030342.
COL4A1-related disorder. Also called: COL4A1-related condition; COL4A1-related disorders. Identifiers: MedGen CN376119, MONDO:0800461.

Allele frequency attached by ClinVar (database versions not stated): gnomAD exomes 0.00002 and 0.00007; ExAC 0.00008; ESP Exome Variant Server 0.00015; 1000 Genomes Project 30x 0.00016; 1000 Genomes Project 0.00020; gnomAD 0.00024 and 0.00028; TOPMed 0.00026.
gnomAD v4.1: 68 of 1,613,958 alleles (0.0042%); highest among the groups gnomAD compares: African/African-American, 0.079%; no homozygotes.

Submissions (6):

Labcorp Genetics (formerly Invitae), Labcorp
Classification: Likely benign. Last evaluated: 2025-10-26. Review status: criteria provided, single submitter. Criteria: Invitae Variant Classification Sherloc (09022015). Collection method: clinical testing. Allele origin: germline.

Ambry Genetics
Classification: Likely benign for Inborn genetic diseases. Last evaluated: 2024-10-07. Review status: criteria provided, single submitter. Criteria: Ambry Variant Classification Scheme 2023. Collection method: clinical testing. Allele origin: germline.

Revvity Omics, Revvity
Classification: Likely benign. Last evaluated: 2024-01-09. Review status: criteria provided, single submitter. Criteria: ACMG Guidelines, 2015. Collection method: clinical testing. Allele origin: germline.

GeneDx
Classification: Uncertain significance. Last evaluated: 2023-02-06. Review status: criteria provided, single submitter. Criteria: GeneDx Variant Classification Process June 2021. Collection method: clinical testing. Allele origin: germline. Affected: yes.
Comment: In silico analysis supports that this missense variant has a deleterious effect on protein structure/function; Has not been previously published as pathogenic or benign to our knowledge

Blueprint Genetics
Classification: Likely benign. Last evaluated: 2022-09-07. Review status: criteria provided, single submitter. Criteria: ACMG Guidelines, 2015. Collection method: clinical testing. Allele origin: germline.

PreventionGenetics, part of Exact Sciences
Classification: Likely benign for COL4A1-related condition. Last evaluated: 2022-11-08. Review status: no assertion criteria provided. Collection method: clinical testing. Allele origin: germline. Not counted in ClinVar's aggregate classification.
Comment: This variant is classified as likely benign based on ACMG/AMP sequence variant interpretation guidelines (Richards et al. 2015 PMID: 25741868, with internal and published modifications).

NM_001845.6(COL4A1):c.367C>T (p.Pro123Ser)

Gene: COL4A1 (collagen type IV alpha 1 chain; minus strand). Cytogenetic location: 13q34.
Variant type: single nucleotide variant.
Coding change: c.367C>T on transcript NM_001845.6 (MANE Select); coding-DNA position 367, C replaced by T.
Protein change: p.Pro123Ser; replaces proline 123 with serine.
Molecular consequence: missense variant.
Genome position (GRCh38, 1-based): chr13:110,212,437, G>A on the plus strand (C>T on the coding strand, the complement: COL4A1 is on the minus strand). VCF-style: chr13-110212437-G-A. GRCh37 (hg19) VCF-style: chr13-110864784-G-A.
Other names: c.367C>T (NM_001845.4); c.367C>T, p.Pro123Ser (NM_001303110.2); short protein forms P123S.
Identifiers: ClinVar variation 798163 (VCV000798163.15), dbSNP rs138503916, ClinGen allele CA7048548.